The following is an entry in ClinVar:

NM_005026.5(PIK3CD):c.665G>A (p.Arg222Gln)

Gene: PIK3CD (phosphatidylinositol-4,5-bisphosphate 3-kinase catalytic subunit delta; plus strand). Cytogenetic location: 1p36.22.
Variant type: single nucleotide variant.
Coding change: c.665G>A on transcript NM_005026.5 (MANE Select); coding-DNA position 665, G replaced by A.
Protein change: p.Arg222Gln; replaces arginine 222 with glutamine.
Molecular consequence: missense variant.
Genome position (GRCh38, 1-based): chr1:9,716,504, G>A. VCF-style: chr1-9716504-G-A. GRCh37 (hg19) VCF-style: chr1-9776562-G-A.
Other names: c.665G>A, p.Arg222Gln (NM_001350234.2, NM_001350235.1); short protein forms R222Q.
Identifiers: ClinVar variation 1407464 (VCV001407464.32), dbSNP rs1216060233, ClinGen allele CA338301114.

ClinVar aggregate classification (germline): Uncertain significance. Review status: criteria provided, multiple submitters, no conflicts (2 of 4 stars). 2 submissions from 2 submitters: Uncertain significance (2). Last evaluated 2022-09-01.

Conditions:
Immunodeficiency 14 (IMD14A). Also called: IMMUNODEFICIENCY 14A WITH LYMPHOPROLIFERATION, AUTOSOMAL DOMINANT; ACTIVATED PI3K-DELTA SYNDROME 1; p110-DELTA-ACTIVATING MUTATION CAUSING SENESCENT T CELLS, LYMPHADENOPATHY, AND IMMUNODEFICIENCY; Activated PI3K Delta Syndrome Type 1 (APDS1). Identifiers: Orphanet 397596, Orphanet 693661, MedGen C5907821, MONDO:0014222, OMIM 615513.

Allele frequency attached by ClinVar (database versions not stated): TOPMed below 0.00001; gnomAD exomes below 0.00001.
gnomAD v4.1: 6 of 1,610,964 alleles (0.00037%); highest among the groups gnomAD compares: Non-Finnish European, 0.00042%; no homozygotes.

Submissions (2):

CeGaT Center for Human Genetics Tuebingen
Classification: Uncertain significance. Last evaluated: 2022-09-01. Review status: criteria provided, single submitter. Criteria: CeGaT Center For Human Genetics Tuebingen Variant Classification Criteria Version 2. Collection method: clinical testing. Allele origin: germline. Affected: yes. Observed: 1 variant allele.
Comment: PIK3CD: PP2

Labcorp Genetics (formerly Invitae), Labcorp
Classification: Uncertain significance for Activated PI3K-delta syndrome. Last evaluated: 2021-04-23. Review status: criteria provided, single submitter. Criteria: Invitae Variant Classification Sherloc (09022015). Collection method: clinical testing. Allele origin: germline.
Comment: In summary, the available evidence is currently insufficient to determine the role of this variant in disease. Therefore, it has been classified as a Variant of Uncertain Significance. Algorithms developed to predict the effect of sequence changes on RNA splicing suggest that this variant may create or strengthen a splice site, but this prediction has not been confirmed by published transcriptional studies. Algorithms developed to predict the effect of missense changes on protein structure and function (SIFT, PolyPhen-2, Align-GVGD) all suggest that this variant is likely to be tolerated, but these predictions have not been confirmed by published functional studies and their clinical significance is uncertain. This variant has not been reported in the literature in individuals with PIK3CD-related conditions. This variant is not present in population databases (ExAC no frequency). This sequence change replaces arginine with glutamine at codon 222 of the PIK3CD protein (p.Arg222Gln). The arginine residue is moderately conserved and there is a small physicochemical difference between arginine and glutamine.